The following is an entry in ClinVar:

ClinVar aggregate classification (germline): Conflicting classifications of pathogenicity. Review status: criteria provided, conflicting classifications (1 of 4 stars). 7 submissions from 7 submitters: Uncertain significance (6); Likely benign (1). Last evaluated 2025-10-14.

Conditions:
FBN2-related disorder. Also called: FBN2-related condition.
Congenital contractural arachnodactyly (CCA). Also called: Beals-Hecht syndrome; BEALS SYNDROME; Arthrogryposis, distal, type 9. Identifiers: Orphanet 115, MedGen C0220668, MONDO:0007363, OMIM 121050.
Familial thoracic aortic aneurysm and aortic dissection (TAAD). Also called: Thoracic aortic aneurysms and dissections. Identifiers: Orphanet 91387, MedGen C4707243, MONDO:0019625.

Allele frequency attached by ClinVar (database versions not stated): ExAC 0.00001; gnomAD 0.00001 and 0.00002; gnomAD exomes 0.00001 and 0.00003; TOPMed 0.00001.
gnomAD v4.1: 43 of 1,613,922 alleles (0.0027%); highest among the groups gnomAD compares: Non-Finnish European, 0.0035%; no homozygotes.

Submissions (7):

Labcorp Genetics (formerly Invitae), Labcorp
Classification: Likely benign for Congenital contractural arachnodactyly. Last evaluated: 2025-10-14. Review status: criteria provided, single submitter. Criteria: Invitae Variant Classification Sherloc (09022015). Collection method: clinical testing. Allele origin: germline.

GeneDx
Classification: Uncertain significance. Last evaluated: 2024-12-10. Review status: criteria provided, single submitter. Criteria: GeneDx Variant Classification Process June 2021. Collection method: clinical testing. Allele origin: germline. Affected: yes.
Comment: Has not been previously published as pathogenic or benign to our knowledge; Not observed at significant frequency in large population cohorts (gnomAD); In silico analysis supports that this missense variant has a deleterious effect on protein structure/function; This variant is associated with the following publications: (PMID: 18767143)

ARUP Laboratories, Molecular Genetics and Genomics, ARUP Laboratories
Classification: Uncertain significance. Last evaluated: 2024-09-26. Review status: criteria provided, single submitter. Criteria: ARUP Molecular Germline Variant Investigation Process 2024. Collection method: clinical testing. Allele origin: germline.
Comment: The FBN2 c.2099C>T; p.Thr700Ile variant (rs773667668), to our knowledge, is not reported in the medical literature but is reported in ClinVar (Variation ID: 213284). This variant is found in the general population with an overall allele frequency of 0.0014% (4/282250 alleles) in the Genome Aggregation Database (v2.1.1). Computational analyses predict that this variant is deleterious (REVEL: 0.732). Due to limited information, the clinical significance of this variant is uncertain at this time.

PreventionGenetics, part of Exact Sciences
Classification: Uncertain significance for FBN2-related condition. Last evaluated: 2023-02-21. Review status: criteria provided, single submitter. Criteria: ACMG Guidelines, 2015. Collection method: clinical testing. Allele origin: germline.
Comment: The FBN2 c.2099C>T variant is predicted to result in the amino acid substitution p.Thr700Ile. To our knowledge, this variant has not been reported in the literature. This variant is reported in 0.0031% of alleles in individuals of European (Non-Finnish) descent in gnomAD. At this time, the clinical significance of this variant is uncertain due to the absence of conclusive functional and genetic evidence.

Revvity Omics, Revvity
Classification: Uncertain significance. Last evaluated: 2022-06-08. Review status: criteria provided, single submitter. Criteria: ACMG Guidelines, 2015. Collection method: clinical testing. Allele origin: germline.

Ambry Genetics
Classification: Uncertain significance for Familial thoracic aortic aneurysm and aortic dissection. Last evaluated: 2020-03-27. Review status: criteria provided, single submitter. Criteria: Ambry Variant Classification Scheme 2023. Collection method: clinical testing. Allele origin: germline.
Comment: The p.T700I variant (also known as c.2099C>T), located in coding exon 16 of the FBN2 gene, results from a C to T substitution at nucleotide position 2099. The threonine at codon 700 is replaced by isoleucine, an amino acid with similar properties, and is located in the TGFB #02 domain. This amino acid position is highly conserved in available vertebrate species. In addition, this alteration is predicted to be deleterious by in silico analysis. Since supporting evidence is limited at this time, the clinical significance of this alteration remains unclear.

Illumina Laboratory Services, Illumina
Classification: Uncertain significance for Congenital contractural arachnodactyly. Last evaluated: 2018-01-13. Review status: criteria provided, single submitter. Criteria: ICSL Variant Classification Criteria 13 December 2019. Collection method: clinical testing. Allele origin: germline.

NM_001999.4(FBN2):c.2099C>T (p.Thr700Ile)

Gene: FBN2 (fibrillin 2; minus strand). Cytogenetic location: 5q23.3.
Variant type: single nucleotide variant.
Coding change: c.2099C>T on transcript NM_001999.4 (MANE Select); coding-DNA position 2099, C replaced by T.
Protein change: p.Thr700Ile; replaces threonine 700 with isoleucine.
Molecular consequence: missense variant.
Genome position (GRCh38, 1-based): chr5:128,369,331, G>A on the plus strand (C>T on the coding strand, the complement: FBN2 is on the minus strand). VCF-style: chr5-128369331-G-A. GRCh37 (hg19) VCF-style: chr5-127705024-G-A.
Other names: short protein forms T700I.
Identifiers: ClinVar variation 213284 (VCV000213284.21), dbSNP rs773667668, ClinGen allele CA324674.